The following is an entry in ClinVar:

NM_001009944.3(PKD1):c.11450_11453dup (p.Tyr3819fs)

Genes: PKD1 (polycystin 1, transient receptor potential channel interacting; minus strand), PKD1-AS1 (PKD1 antisense RNA 1; plus strand). Cytogenetic location: 16p13.3.
Variant type: Duplication.
Coding change: c.11450_11453dup on transcript NM_001009944.3 (MANE Select); coding-DNA positions 11450 to 11453, 4 bases duplicated (GGGG; older notation c.11450_11453dupGGGG).
Protein change: p.Tyr3819fs; shifts the reading frame from tyrosine 3819.
Molecular consequence: frameshift variant.
Genome position (GRCh38, 1-based): chr16:2,091,865-2,091,868, CCCC duplicated on the plus strand (GGGG on the coding strand, the reverse complement: PKD1 is on the minus strand); duplicating any 4 consecutive bases within chr16:2,091,865-2,091,869 gives the same sequence; the c. name uses the placement nearest the transcript's 3' end. VCF-style (leftmost placement, unchanged base first): chr16-2091864-G-GCCCC. GRCh37 (hg19) VCF-style: chr16-2141865-G-GCCCC.
Other names: c.11447_11450dup, p.Tyr3818fs (NM_000296.4); short protein forms Y3818fs, Y3819fs.
Identifiers: ClinVar variation 4072423 (VCV004072423.3).

ClinVar aggregate classification (germline): Pathogenic. Review status: criteria provided, multiple submitters, no conflicts (2 of 4 stars). 2 submissions from 2 submitters: Pathogenic (2). Last evaluated 2026-01-26.

Conditions:
Polycystic kidney disease, adult type (PKD1). Also called: Polycystic Kidney, Autosomal Dominant; Polycystic Kidney Disease 1, Autosomal Dominant; Polycystic kidney disease 1; Polycystic kidney disease 1, severe; POLYCYSTIC KIDNEY DISEASE 1 WITH OR WITHOUT POLYCYSTIC LIVER DISEASE; POLYCYSTIC KIDNEY DISEASE, ADULT, TYPE I. Identifiers: MedGen C3149841, MONDO:0008263, OMIM 173900.

Submissions (2):

Medical and Scientific Branch, Hong Kong Genome Institute
Classification: Pathogenic for Polycystic kidney disease, adult type. Last evaluated: 2026-01-26. Review status: criteria provided, single submitter. Criteria: ACMG Guidelines, 2015. Collection method: clinical testing. Allele origin: unknown. Affected: yes.

Juno Genomics, Hangzhou Juno Genomics, Inc
Classification: Pathogenic for Polycystic kidney disease, adult type. Review status: criteria provided, single submitter. Criteria: ACMG Guidelines, 2015. Collection method: clinical testing. Allele origin: germline. Affected: yes.
Comment: Absent from controls (or at extremely low frequency if recessive) in Genome Aggregation Database, Exome Sequencing Project, 1000 Genomes Project, or Exome Aggregation Consortium.;Null variant in a gene where loss of function (LOF) is a known mechanism of disease.;Patient's phenotype or family history is highly specific for a disease with a single genetic etiology.